The following is an entry in ClinVar:

ClinVar aggregate classification (germline): Uncertain significance. Review status: criteria provided, multiple submitters, no conflicts (2 of 4 stars). 2 submissions from 2 submitters: Uncertain significance (2). Last evaluated 2022-12-27.

Allele frequency attached by ClinVar (database versions not stated): ExAC 0.00001; gnomAD 0.00001; TOPMed 0.00001.
gnomAD v4.1: 13 of 1,590,868 alleles (0.00082%); highest among the groups gnomAD compares: African/African-American, 0.0013%; no homozygotes.

Submissions (2):

Athena Diagnostics
Classification: Uncertain significance. Last evaluated: 2022-12-27. Review status: criteria provided, single submitter. Criteria: Athena Diagnostics Criteria. Collection method: clinical testing. Allele origin: unknown.
Comment: Available data are insufficient to determine the clinical significance of the variant at this time. The frequency of this variant in the general population is uninformative in assessment of its pathogenicity. This variant has been seen where an alternate explanation for disease was also identified, suggesting this variant may not cause disease. Computational tools predict that this variant is damaging.

Labcorp Genetics (formerly Invitae), Labcorp
Classification: Uncertain significance. Last evaluated: 2021-12-25. Review status: criteria provided, single submitter. Criteria: Invitae Variant Classification Sherloc (09022015). Collection method: clinical testing. Allele origin: germline.
Comment: In summary, the available evidence is currently insufficient to determine the role of this variant in disease. Therefore, it has been classified as a Variant of Uncertain Significance. Algorithms developed to predict the effect of missense changes on protein structure and function (SIFT, PolyPhen-2, Align-GVGD) all suggest that this variant is likely to be disruptive. This variant has not been reported in the literature in individuals affected with EEF2-related conditions. The frequency data for this variant in the population databases is considered unreliable, as metrics indicate poor data quality at this position in the gnomAD database. This sequence change replaces arginine, which is basic and polar, with tryptophan, which is neutral and slightly polar, at codon 726 of the EEF2 protein (p.Arg726Trp).

NM_001961.4(EEF2):c.2176C>T (p.Arg726Trp)

Genes: EEF2 (eukaryotic translation elongation factor 2; minus strand), LOC130063169 (ATAC-STARR-seq lymphoblastoid active region 13746; plus strand). Cytogenetic location: 19p13.3.
Variant type: single nucleotide variant.
Coding change: c.2176C>T on transcript NM_001961.4 (MANE Select); coding-DNA position 2176, C replaced by T.
Protein change: p.Arg726Trp; replaces arginine 726 with tryptophan.
Molecular consequence: missense variant.
Genome position (GRCh38, 1-based): chr19:3,977,502, G>A on the plus strand (C>T on the coding strand, the complement: EEF2 is on the minus strand). VCF-style: chr19-3977502-G-A. GRCh37 (hg19) VCF-style: chr19-3977500-G-A.
Other names: c.2176C>T (NM_001961.3); short protein forms R726W.
Identifiers: ClinVar variation 1490082 (VCV001490082.9), dbSNP rs752178810, ClinGen allele CA9088640.